The following is an entry in ClinVar:

NM_002972.4(SBF1):c.3301C>G (p.Pro1101Ala)

Gene: SBF1 (SET binding factor 1; minus strand). Cytogenetic location: 22q13.33.
Variant type: single nucleotide variant.
Coding change: c.3301C>G on transcript NM_002972.4 (MANE Select); coding-DNA position 3301, C replaced by G.
Protein change: p.Pro1101Ala; replaces proline 1101 with alanine.
Molecular consequence: missense variant.
Genome position (GRCh38, 1-based): chr22:50,460,142, G>C on the plus strand (C>G on the coding strand, the complement: SBF1 is on the minus strand). VCF-style: chr22-50460142-G-C. GRCh37 (hg19) VCF-style: chr22-50898571-G-C.
Other names: c.3304C>G, p.Pro1102Ala (NM_001365819.1, NM_001410794.1); c.3301C>G, p.Pro1101Ala (NM_001410795.1, NM_197971.1); short protein forms P1101A, P1102A.
Identifiers: ClinVar variation 2018498 (VCV002018498.4), dbSNP rs771502813, ClinGen allele CA412205215.

ClinVar aggregate classification (germline): Uncertain significance (1 of 4 stars; one submission).

gnomAD v4.1: 1 of 1,611,800 alleles (0.000062%); highest among the groups gnomAD compares: African/African-American, 0.0013%; no homozygotes.

Submission:

Labcorp Genetics (formerly Invitae), Labcorp
Classification: Uncertain significance. Last evaluated: 2022-07-21. Review status: criteria provided, single submitter. Criteria: Invitae Variant Classification Sherloc (09022015). Collection method: clinical testing. Allele origin: germline.
Comment: This sequence change replaces proline, which is neutral and non-polar, with alanine, which is neutral and non-polar, at codon 1101 of the SBF1 protein (p.Pro1101Ala). In summary, the available evidence is currently insufficient to determine the role of this variant in disease. Therefore, it has been classified as a Variant of Uncertain Significance. Algorithms developed to predict the effect of missense changes on protein structure and function (SIFT, PolyPhen-2, Align-GVGD) all suggest that this variant is likely to be tolerated. This variant has not been reported in the literature in individuals affected with SBF1-related conditions. This variant is not present in population databases (gnomAD no frequency).